The following is an entry in ClinVar:

NM_002905.5(RDH5):c.558dup (p.Asp187Ter)

Genes: BLOC1S1-RDH5 (BLOC1S1-RDH5 readthrough; plus strand), RDH5 (retinol dehydrogenase 5; plus strand). Cytogenetic location: 12q13.2.
Variant type: Duplication.
Coding change: c.558dup on transcript NM_002905.5 (MANE Select); coding-DNA position 558, one base duplicated (T; older notation c.558dupT).
Protein change: p.Asp187Ter; replaces aspartic acid 187 with a stop codon.
Molecular consequence: nonsense. On other transcripts: non-coding transcript variant (1).
Genome position (GRCh38, 1-based): chr12:55,721,936, T duplicated. VCF-style (leftmost placement, unchanged base first): chr12-55721935-C-CT. GRCh37 (hg19) VCF-style: chr12-56115719-C-CT.
Other names: c.558dup, p.Asp187Ter (NM_001199771.3); short protein forms D187*.
Identifiers: ClinVar variation 1350634 (VCV001350634.6), dbSNP rs1488443545, ClinGen allele CA605247214.

ClinVar aggregate classification (germline): Pathogenic (1 of 4 stars; one submission).

Allele frequency attached by ClinVar (database versions not stated): gnomAD exomes below 0.00001; gnomAD 0.00001; TOPMed 0.00001.

Submission:

Labcorp Genetics (formerly Invitae), Labcorp
Classification: Pathogenic. Last evaluated: 2024-06-08. Review status: criteria provided, single submitter. Criteria: Invitae Variant Classification Sherloc (09022015). Collection method: clinical testing. Allele origin: germline.
Comment: This sequence change creates a premature translational stop signal (p.Asp187*) in the RDH5 gene. It is expected to result in an absent or disrupted protein product. Loss-of-function variants in RDH5 are known to be pathogenic (PMID: 11675386, 22815624). This variant is present in population databases (no rsID available, gnomAD 0.007%). This variant has not been reported in the literature in individuals affected with RDH5-related conditions. ClinVar contains an entry for this variant (Variation ID: 1350634). For these reasons, this variant has been classified as Pathogenic.

Literature cited by the submitters: PubMed 11675386; PubMed 22815624.